The following is an entry in ClinVar:

NM_001351132.2(PEX5):c.561A>G (p.Glu187=)

Gene: PEX5 (peroxisomal biogenesis factor 5; plus strand). Cytogenetic location: 12p13.31.
Variant type: single nucleotide variant.
Coding change: c.561A>G on transcript NM_001351132.2 (MANE Select); coding-DNA position 561, A replaced by G.
Protein change: p.Glu187=; no amino-acid change (glutamic acid 187 retained).
Molecular consequence: synonymous variant.
Genome position (GRCh38, 1-based): chr12:7,201,760, A>G. VCF-style: chr12-7201760-A-G. GRCh37 (hg19) VCF-style: chr12-7354356-A-G.
Other names: c.561A>G, p.Glu187= (NM_000319.5, NM_001131024.2, NM_001131025.2 and 19 more transcripts); c.606A>G, p.Glu202= (NM_001131023.2, NM_001351135.3, NM_001351138.2); c.561A>G (NM_001131025.1).
Identifiers: ClinVar variation 1663439 (VCV001663439.9), dbSNP rs1159781502, ClinGen allele CA478185874.
Genomic context (GRCh38, chr12:7,201,760, plus strand): 5'-GGGGAGGGTGATGGCAGACTAATGTGTAAAATTAGTTCTTACCCGTTCCAGGTATGATGA[A>G]TATCATCCTGAGGAGGATCTGCAGCACACGGCCAGTGACTTTGTGGCCAAAGTGGATGAC-3'
Protein context (NP_001338061.1, residues 177-197): EGTATDRWYD[Glu187=]YHPEEDLQHT

ClinVar aggregate classification (germline): Likely benign. Review status: criteria provided, multiple submitters, no conflicts (2 of 4 stars). 2 submissions from 2 submitters: Likely benign (2). Last evaluated 2024-11-26.

Conditions:
Peroxisome biogenesis disorder 2B (PBD2B). Identifiers: Orphanet 44, MedGen C3550234, MONDO:0008736, OMIM 202370.
PEX5-related disorder. Also called: PEX5-Related Disorders; PEX5-related condition.

Allele frequency attached by ClinVar (database versions not stated): gnomAD exomes below 0.00001; TOPMed 0.00001.
gnomAD v4.1: 3 of 1,612,964 alleles (0.00019%); highest among the groups gnomAD compares: Admixed American, 0.0033%; no homozygotes.

Submissions (2):

PreventionGenetics, part of Exact Sciences
Classification: Likely benign for PEX5-related condition. Last evaluated: 2024-11-26. Review status: criteria provided, single submitter. Criteria: ACMG Guidelines, 2015. Collection method: clinical testing. Allele origin: germline.
Comment: This variant is classified as likely benign based on ACMG/AMP sequence variant interpretation guidelines (Richards et al. 2015 PMID: 25741868, with internal and published modifications).

Labcorp Genetics (formerly Invitae), Labcorp
Classification: Likely benign for Peroxisome biogenesis disorder 2B. Last evaluated: 2024-06-17. Review status: criteria provided, single submitter. Criteria: Invitae Variant Classification Sherloc (09022015). Collection method: clinical testing. Allele origin: germline.